The following is an entry in ClinVar:

NC_000007.13:g.(6013174_6017218)_(6037055_6038738)del

Gene: PMS2 (PMS1 homolog 2, mismatch repair system component; minus strand). Cytogenetic location: 7p22.1.
Variant type: Deletion.
Identifiers: ClinVar variation 2627358 (VCV002627358.1).

ClinVar aggregate classification (germline): Likely pathogenic (1 of 4 stars; one submission).

Conditions:
Hereditary nonpolyposis colon cancer (HNPCC). Also called: Hereditary nonpolyposis colorectal cancer; Familial nonpolyposis colon cancer; Hereditary Nonpolyposis Colorectal Cancer Syndrome. Identifiers: Orphanet 443909, MedGen C1333990, MONDO:0018630. Disease mechanism: loss of function.

Submission:

Women's Health and Genetics/Laboratory Corporation of America, LabCorp
Classification: Likely pathogenic for Hereditary nonpolyposis colon cancer. Last evaluated: 2023-09-29. Review status: criteria provided, single submitter. Criteria: LabCorp Variant Classification Summary - May 2015. Collection method: clinical testing. Allele origin: germline.
Comment: Variant summary: The variant identified by MLPA or other technology involves the deletion of exons 7-14 in the PMS2 gene. A presumed nomenclature of c.(705+1_706-1)_(2445+1_2446-1)del has been designated for the purposes of this classification. Although exact breakpoints of this deletion are not known, it is expected to result in a large in-frame deletion change in the PMS2 gene, a known mechanism of disease. This removes 580 amino acids including part of the DNA mismatch repair protein, S5 domain 2-like domain (IPR013507), encompasing a region in which other non-frameshift variants are classified as pathogenic. The variant was absent in 21694 control chromosomes (gnomAD). The available data on variant occurrences in the general population are insufficient to allow any conclusion about variant significance. c.(705+1_706-1)_(2445+1_2446-1)del has been reported in the literature in an individual with clinical features consistent with constitutional mismatch repair deficiency syndrome (Lindsay_2013), and they were described as compound heterozygous with an exon 7-11 deletion, which is expected to result in a frameshift. This report suggests the variant is likely associated with disease. The following publication has been ascertained in the context of this evaluation (PMID: 23582141). No submitters have cited clinical-significance assessments for this variant to ClinVar after 2014. Based on the evidence outlined above, the variant was classified as likely pathogenic.

Literature cited by the submitters: PubMed 23582141.